The following is an entry in ClinVar:

ClinVar aggregate classification (germline): Uncertain significance (1 of 4 stars; one submission).

Conditions:
Microcephaly 8, primary, autosomal recessive. Identifiers: Orphanet 2512, MedGen C3553414, MONDO:0013849, OMIM 614673.

Submission:

Dasa
Classification: Uncertain significance for Microcephaly 8, primary, autosomal recessive. Last evaluated: 2025-10-27. Review status: criteria provided, single submitter. Criteria: DASA Assertion Criteria. Collection method: clinical testing. Allele origin: germline.
Comment: NM_025009.5(CEP135):c.700-1G>A affects a canonical splice site and is predicted to disrupt normal RNA splicing. This variant is absent from population databases. The currently available literature and clinical evidence are not sufficient to establish a definitive association between this variant and the reported condition. Therefore, this variant is classified as a variant of uncertain significance.

NM_025009.5(CEP135):c.700-1G>A

Gene: CEP135 (centrosomal protein 135; plus strand). Cytogenetic location: 4q12.
Variant type: single nucleotide variant.
Coding change: c.700-1G>A on transcript NM_025009.5 (MANE Select); the canonical splice acceptor site of the intron before coding-DNA position 700, G replaced by A.
Molecular consequence: splice acceptor variant.
Genome position (GRCh38, 1-based): chr4:55,964,273, G>A. VCF-style: chr4-55964273-G-A. GRCh37 (hg19) VCF-style: chr4-56830439-G-A.
Identifiers: ClinVar variation 4880997 (VCV004880997.2).